The following is an entry in ClinVar:

NM_000038.6(APC):c.7057dup (p.Thr2353fs)

Gene: APC (APC regulator of Wnt signaling pathway; plus strand). Cytogenetic location: 5q22.2.
Variant type: Duplication.
Coding change: c.7057dup on transcript NM_000038.6 (MANE Select); coding-DNA position 7057, one base duplicated (A; older notation c.7057dupA).
Protein change: p.Thr2353fs; shifts the reading frame from threonine 2353.
Molecular consequence: frameshift variant. On other transcripts: non-coding transcript variant (2).
Genome position (GRCh38, 1-based): chr5:112,842,651, A duplicated. VCF-style (leftmost placement, unchanged base first): chr5-112842650-T-TA. GRCh37 (hg19) VCF-style: chr5-112178347-T-TA.
Other names: c.7057dup, p.Thr2353fs (NM_001127510.3, NM_001354895.2, NM_001407450.1); c.7003dup, p.Thr2335fs (NM_001127511.3); c.7111dup, p.Thr2371fs (NM_001354896.2, NM_001407447.1, NM_001407448.1 and 1 more transcripts); c.7087dup, p.Thr2363fs (NM_001354897.2); c.6982dup, p.Thr2328fs (NM_001354898.2); c.6973dup, p.Thr2325fs (NM_001354899.2); c.6934dup, p.Thr2312fs (NM_001354900.2); c.6880dup, p.Thr2294fs (NM_001354901.2, NM_001407453.1); and 12 more; short protein forms T1969fs, T2262fs, T2328fs, T2371fs, T2381fs, T2252fs, T2270fs, T2294fs.
Identifiers: ClinVar variation 2773606 (VCV002773606.4), dbSNP rs2533765153, ClinGen allele CA2697546376.

ClinVar aggregate classification (germline): Pathogenic/Likely pathogenic. Review status: criteria provided, multiple submitters, no conflicts (2 of 4 stars). 3 submissions from 3 submitters: Pathogenic (2); Likely pathogenic (1). Last evaluated 2025-03-01.

Conditions:
Classic or attenuated familial adenomatous polyposis. Identifiers: MedGen CN372698, MONDO:0021057.
Hereditary cancer-predisposing syndrome. Also called: Hereditary neoplastic syndrome; Hereditary Cancer Syndrome; Neoplastic Syndromes, Hereditary; Tumor predisposition. Identifiers: Orphanet 140162, MedGen C0027672, MeSH D009386, MONDO:0015356.

Submissions (3):

Ambry Genetics
Classification: Pathogenic for Hereditary cancer-predisposing syndrome. Last evaluated: 2025-03-01. Review status: criteria provided, single submitter. Criteria: Ambry Variant Classification Scheme 2023. Collection method: clinical testing. Allele origin: germline.
Comment: The c.7057dupA pathogenic mutation, located in coding exon 15 of the APC gene, results from a duplication of A at nucleotide position 7057, causing a translational frameshift with a predicted alternate stop codon (p.T2353Nfs*5). This alteration occurs at the 3' terminus of theAPC gene, is not expected to trigger nonsense-mediated mRNA decay, and impacts the last 17% of the protein. However, premature stop codons are typically deleterious in nature and a significant portion of the protein is affected (Ambry internal data). This variant is considered to be rare based on population cohorts in the Genome Aggregation Database (gnomAD). Based on the supporting evidence, this variant is interpreted as a disease-causing mutation.

Color Diagnostics, LLC DBA Color Health
Classification: Pathogenic for Hereditary cancer-predisposing syndrome. Last evaluated: 2023-08-28. Review status: criteria provided, single submitter. Criteria: ACMG Guidelines, 2015. Collection method: clinical testing. Allele origin: germline.
Comment: This variant causes a duplication in exon 16 of the APC gene, creating a frameshift and premature translation stop signal in the last coding exon. This variant is predicted to escape nonsense-mediated decay and be expressed as a truncated protein. To our knowledge, this variant has not been reported in individuals affected with APC-related disorders in the literature. This variant has not been identified in the general population by the Genome Aggregation Database (gnomAD). Loss of APC function is a known mechanism of disease. Based on the available evidence, this variant is classified as Pathogenic.

All of Us Research Program, National Institutes of Health
Classification: Likely pathogenic for Classic or attenuated familial adenomatous polyposis. Last evaluated: 2023-07-07. Review status: criteria provided, single submitter. Criteria: ACMG Guidelines, 2015. Collection method: clinical testing. Allele origin: germline. Inheritance: Autosomal dominant inheritance. Observed: 1 variant allele, 1 heterozygote.
Comment: The c.7057dup (p.Thr2353Asnfs*5) variant in the APC gene is located on the exon 16 (last exon) and is predicted to cause shift of reading frame that introduces a premature translation termination codon (p.Thr2353Asnfs*5). This results in a disrupted protein product that lacks a functionally important protein domain (PMID: 15311282, 17293347). Frameshift/truncating variants located downstream to this variant have been reported in individuals with familial adenomatous polyposis/colorectal cancer (PMID: 23159591, 31591141, 33769591). This variant is absent in the general population database (gnomAD). Therefore, the c.7057dup (p.Thr2353Asnfs*5) variant of APC has been classified as likely pathogenic.

This study involves interpretation of variants in research participants for the purpose of population health screening. Participant phenotype was not available at the time of variant classification. Additional details can be found in publication PMID: 35346344, PMCID: PMC8962531

Literature cited by the submitters: PubMed 15311282 (cited by All of Us Research Program, National Institutes of Health); PubMed 17293347 (cited by All of Us Research Program, National Institutes of Health); PubMed 23159591 (cited by All of Us Research Program, National Institutes of Health); PubMed 31591141 (cited by All of Us Research Program, National Institutes of Health); PubMed 33769591 (cited by All of Us Research Program, National Institutes of Health).